The following is an entry in ClinVar:

NC_000003.11:g.(97487075_97499002)_(97520087_?)del

Gene: ARL6 (ARF like GTPase 6; plus strand). Cytogenetic location: 3q11.2.
Variant type: Deletion.
Identifiers: ClinVar variation 2501015 (VCV002501015.1).

ClinVar aggregate classification (germline): Pathogenic (1 of 4 stars; one submission).

Conditions:
Bardet-Biedl syndrome (BBS). Identifiers: Orphanet 110, MedGen C0752166, MONDO:0015229.

Submission:

Women's Health and Genetics/Laboratory Corporation of America, LabCorp
Classification: Pathogenic for Bardet-Biedl syndrome. Last evaluated: 2023-03-01. Review status: criteria provided, single submitter. Criteria: LabCorp Variant Classification Summary - May 2015. Collection method: clinical testing. Allele origin: germline.
Comment: Variant summary: The variant identified by MLPA or other technology involves the deletion of exons 4-9 in the ARL6 gene. A presumed nomenclature of c.(123+1_124-1)_(*3194_?)del has been designated for the purposes of this classification. Although exact breakpoints of this deletion are not known, it is expected to result in a large deletion change in the ARL6 gene, a known mechanism of disease. The variant allele was found at a frequency of 4.6e-05 in 21694 control chromosomes. c.(123+1_124-1)_(*3194_?)del has been reported in the literature in homozygous individuals affected with Bardet-Biedl Syndrome (Lindstrand_2016, Nasser_2022). These data indicate that the variant is likely to be associated with disease. To our knowledge, no experimental evidence demonstrating an impact on protein function has been reported. One clinical diagnostic laboratory has submitted clinical-significance assessments for this variant to ClinVar after 2014 without evidence for independent evaluation and classified the variant as likely pathogenic. Based on the evidence outlined above, the variant was classified as pathogenic.

Literature cited by the submitters: PubMed 27486776; PubMed 35886001.